The following is an entry in ClinVar:

ClinVar aggregate classification (germline): Uncertain significance. Review status: criteria provided, multiple submitters, no conflicts (2 of 4 stars). 2 submissions from 2 submitters: Uncertain significance (2). Last evaluated 2023-11-14.

Conditions:
LAMA2-related muscular dystrophy (LAMA2-RD). Also called: Laminin alpha 2-related dystrophy. Identifiers: MedGen C5679788, MONDO:0100228.

Allele frequency attached by ClinVar (database versions not stated): gnomAD exomes below 0.00001; TOPMed 0.00002; gnomAD 0.00003.
gnomAD v4.1: 10 of 1,612,544 alleles (0.00062%); highest among the groups gnomAD compares: Non-Finnish European, 0.00085%; no homozygotes.

Submissions (2):

Labcorp Genetics (formerly Invitae), Labcorp
Classification: Uncertain significance for LAMA2-related muscular dystrophy. Last evaluated: 2023-11-14. Review status: criteria provided, single submitter. Criteria: Invitae Variant Classification Sherloc (09022015). Collection method: clinical testing. Allele origin: germline.
Comment: This sequence change replaces alanine, which is neutral and non-polar, with valine, which is neutral and non-polar, at codon 253 of the LAMA2 protein (p.Ala253Val). The frequency data for this variant in the population databases is considered unreliable, as metrics indicate poor data quality at this position in the gnomAD database. This variant has not been reported in the literature in individuals affected with LAMA2-related conditions. ClinVar contains an entry for this variant (Variation ID: 2076738). Advanced modeling of protein sequence and biophysical properties (such as structural, functional, and spatial information, amino acid conservation, physicochemical variation, residue mobility, and thermodynamic stability) performed at Invitae indicates that this missense variant is not expected to disrupt LAMA2 protein function with a negative predictive value of 95%. In summary, the available evidence is currently insufficient to determine the role of this variant in disease. Therefore, it has been classified as a Variant of Uncertain Significance.

Revvity Omics, Revvity
Classification: Uncertain significance. Last evaluated: 2019-06-13. Review status: criteria provided, single submitter. Criteria: ACMG Guidelines, 2015. Collection method: clinical testing. Allele origin: germline.

NM_000426.4(LAMA2):c.758C>T (p.Ala253Val)

Gene: LAMA2 (laminin subunit alpha 2; plus strand). Cytogenetic location: 6q22.33.
Variant type: single nucleotide variant.
Coding change: c.758C>T on transcript NM_000426.4 (MANE Select); coding-DNA position 758, C replaced by T.
Protein change: p.Ala253Val; replaces alanine 253 with valine.
Molecular consequence: missense variant.
Genome position (GRCh38, 1-based): chr6:129,144,019, C>T. VCF-style: chr6-129144019-C-T. GRCh37 (hg19) VCF-style: chr6-129465164-C-T.
Other names: c.758C>T, p.Ala253Val (NM_001079823.2); short protein forms A253V.
Identifiers: ClinVar variation 2076738 (VCV002076738.6), dbSNP rs1240982123, ClinGen allele CA365606114.